The following is an entry in ClinVar:

NM_007294.4(BRCA1):c.2447A>G (p.His816Arg)

Gene: BRCA1 (BRCA1 DNA repair associated; minus strand). Cytogenetic location: 17q21.31.
Variant type: single nucleotide variant.
Coding change: c.2447A>G on transcript NM_007294.4 (MANE Select); coding-DNA position 2447, A replaced by G.
Protein change: p.His816Arg; replaces histidine 816 with arginine.
Molecular consequence: missense variant. On other transcripts: intron variant (137).
Genome position (GRCh38, 1-based): chr17:43,093,084, T>C on the plus strand (A>G on the coding strand, the complement: BRCA1 is on the minus strand). VCF-style: chr17-43093084-T-C. GRCh37 (hg19) VCF-style: chr17-41245101-T-C.
Other names: 2566A>G; c.2447A>G (NM_007294.3); c.652+1660A>G (NM_001408451.1); c.643+1660A>G (NM_001408464.1, NM_001408468.1, NM_001408465.1 and 3 more transcripts); c.523+1660A>G (NM_001408498.1, NM_001408501.1, NM_001408500.1 and 3 more transcripts); c.646+1660A>G (NM_001408467.1, NM_001408459.1, NM_001408455.1 and 11 more transcripts); c.583+1660A>G (NM_001408475.1); c.709+1660A>G (NM_001408412.1, NM_001408409.1, NM_001408414.1 and 2 more transcripts); and 43 more; short protein forms H816R, H769R, H689R, H727R, H728R, H746R, H768R, H705R.
Identifiers: ClinVar variation 37470 (VCV000037470.40), dbSNP rs80357108, ClinGen allele CA001634.

ClinVar aggregate classification (germline): Conflicting classifications of pathogenicity. Review status: criteria provided, conflicting classifications (1 of 4 stars). 18 submissions from 18 submitters: Uncertain significance (4); Benign (3); Likely benign (6). 5 of the submissions do not count toward it. Last evaluated 2026-05-29.

Conditions:
BRCA1-related disorder. Also called: BRCA1-related condition.
Breast and/or ovarian cancer. Identifiers: MedGen CN221562.
Inherited ovarian cancer (without breast cancer).
Hereditary cancer-predisposing syndrome. Also called: Tumor predisposition; Neoplastic Syndromes, Hereditary; Hereditary Cancer Syndrome; Hereditary neoplastic syndrome. Identifiers: Orphanet 140162, MedGen C0027672, MeSH D009386, MONDO:0015356.
Hereditary breast ovarian cancer syndrome. Also called: Hereditary breast and ovarian cancer syndrome (HBOC); Hereditary breast and ovarian cancer syndrome; Hereditary breast and ovarian cancer; Hereditary breast and/or ovarian cancer syndrome; Breast and ovarian cancer; BRCA1- and BRCA2-Associated Hereditary Breast and Ovarian Cancer. Identifiers: Orphanet 145, MedGen C0677776, MeSH D061325, MONDO:0003582. Disease mechanism: loss of function.
Breast-ovarian cancer, familial, susceptibility to, 1 (BROVCA1). Also called: OVARIAN CANCER, SUSCEPTIBILITY TO; BRCA1 Hereditary Breast and Ovarian Cancer. Identifiers: Orphanet 145, MedGen C2676676, MONDO:0011450, OMIM 604370. Disease mechanism: loss of function.

Allele frequency attached by ClinVar (database versions not stated): ExAC 0.00001; gnomAD exomes 0.00002; gnomAD 0.00003; TOPMed 0.00003; ESP Exome Variant Server 0.00008.
gnomAD v4.1: 70 of 1,613,644 alleles (0.0043%); highest among the groups gnomAD compares: Non-Finnish European, 0.0056%; 1 homozygote.

Submissions 1 to 8 of 18:

Cambridge Genomics Laboratory, East Genomic Laboratory Hub, NHS Genomic Medicine Service
Classification: Benign for Inherited ovarian cancer (without breast cancer). Last evaluated: 2026-05-29. Review status: criteria provided, single submitter. Criteria: ACGS Best Practice Guidelines for Variant Classification in Rare Disease 2020. Collection method: clinical testing. Allele origin: germline. Affected: yes.
Comment: BP1_Strong,BP5_Moderate

Labcorp Genetics (formerly Invitae), Labcorp
Classification: Likely benign for Hereditary breast ovarian cancer syndrome. Last evaluated: 2026-02-04. Review status: criteria provided, single submitter. Criteria: Invitae Variant Classification Sherloc (09022015). Collection method: clinical testing. Allele origin: germline.

Women's Health and Genetics/Laboratory Corporation of America, LabCorp
Classification: Likely benign. Last evaluated: 2026-02-03. Review status: criteria provided, single submitter. Criteria: LabCorp Variant Classification Summary - May 2015. Collection method: clinical testing. Allele origin: germline.
Comment: Variant summary: BRCA1 c.2447A>G (p.His816Arg) results in a non-conservative amino acid change in the encoded protein sequence. Algorithms developed to predict the effect of missense changes on protein structure and function are either unavailable or do not agree on the potential impact of this missense change. The residue affected by this variant, p.His816, does not lie in a known functional domain/region such as RING-finger and BRCT domain (via InterPro). Missense changes around this codon such as p.Gln804His, p.Asn810Tyr, p.Lys820Glu, p.Thr826Lys that have been evaluated as benign/likely benign by our laboratory, suggesting that considerable number of missense changes may be tolerated in this region. Abkevich_2004 used the combination of a multiple sequence alignment of orthologous BRCA1 sequences and a measure of the chemical difference between the amino acids present at individual residues in the sequence alignment and categorized p.His816Arg as one of the unclassified variants in BRCA1 that they find likely to be neutral or of little clinical significance. A report from the CAGI5 (fifth Critical Assessment of Genome Interpretation) challenge has classified this variant as likely benign in a prediction protocol that includes assessment of the impact of this variant on splicing and protein function using four sets of predictors (Padilla_2019, Cline_2019). The variant allele was found at a frequency of 2.4e-05 in 250756 control chromosomes (gnomAD). The available data on variant occurrences in the general population are insufficient to allow any conclusion about variant significance. c.2447A>G has been reported in the literature in individuals affected with breast or ovarian cancer (e.g. Klemp_2000, Judkins_2005, Manguoglu_2010, Wong-Brown_2015, Fanale_2021). In a recent large study evaluating breast cancer cases and controls in the Breast Cancer Association Consortium (BCAC), the variant was reported in 3/60466 cases, but was also found in 3/53461 controls (Dorling_2021, reported through LOVD). At least one co-occurrence with another pathogenic variant has been reported in the BIC database (BRCA2 c.658_659delGT, p.Val220IlefsX4), providing supporting evidence for a benign role. To our knowledge, no experimental evidence demonstrating an impact on protein function has been reported. The following publications have been ascertained in the context of this evaluation (PMID: 15235020, 31897316, 31294896, 33471991, 34178674, 12531920, 16267036, 10882858, 21156238, 31112341, 15385441, 15001988, 25682074). ClinVar contains an entry for this variant (Variation ID: 37470). Based on the evidence outlined above, the variant was classified as likely benign.

University of Washington Department of Laboratory Medicine, University of Washington
Classification: Likely benign for Hereditary cancer-predisposing syndrome. Last evaluated: 2023-03-23. Review status: criteria provided, single submitter. Criteria: Dines et al. (Genet Med. 2020). Collection method: curation. Allele origin: germline.
Comment: Missense variant in a coldspot region where missense variants are very unlikely to be pathogenic (PMID:31911673).

BRCA1 coldspot (exon 11 using historical exon numbering). Reclassification based on statistical prior probability

PreventionGenetics, part of Exact Sciences
Classification: Uncertain significance for BRCA1-related condition. Last evaluated: 2023-02-16. Review status: criteria provided, single submitter. Criteria: ACMG Guidelines, 2015. Collection method: clinical testing. Allele origin: germline.
Comment: The BRCA1 c.2447A>G variant is predicted to result in the amino acid substitution p.His816Arg. This variant has been reported in individuals with breast cancer; however, no further evidence of pathogenicity was provided (Klemp et al. 2000. PubMed ID: 10882858; Manguoğlu et al. 2010. PubMed ID: 21156238; Table S2, Wong-Brown et al. 2015. PubMed ID: 25682074). Using multiple sequence alignment and a measure of chemical differences in amino acids, this variant was indicated to be neutral or have no clinical significance (Abkevich et al. 2004. PubMed ID: 15235020). This variant has been observed in only 6 out of 250,656 alleles in a large population database, and has been reported in ClinVar with conflicting interpretations ranging from benign to variant of uncertain significance. At this time, the clinical significance of this variant is uncertain due to the absence of conclusive functional and genetic evidence.

ARUP Laboratories, Molecular Genetics and Genomics, ARUP Laboratories
Classification: Uncertain significance. Last evaluated: 2022-03-08. Review status: criteria provided, single submitter. Criteria: ARUP Molecular Germline Variant Investigation Process 2021. Collection method: clinical testing. Allele origin: germline.
Comment: The BRCA1 c.2447A>G; p.His816Arg variant (rs80357108) is reported in the literature in individuals with breast cancer (Brown 2019, Manguoglu 2010, Wong-Brown 2015); however, the variant was not determined to be causative. A multifactorial likelihood analysis suggests this variant is likely benign based on co-segregation with disease, family history, and co-occurrence with other pathogenic variants (Parsons 2019). This variant is also reported in ClinVar (Variation ID: 37470). It is found in the general population with an overall allele frequency of 0.002% (6/250656 alleles) in the Genome Aggregation Database. The histidine at codon 816 is moderately conserved, and computational analyses are uncertain whether this variant is neutral or deleterious (REVEL: 0.487). Based on available information, the clinical significance of this variant is uncertain at this time. References: Brown A et al. Determination of Pathogenicity of Breast Cancer 1 Gene Variants using the American College of Medical Genetics and Genomics and the Association for Molecular Pathology Guidelines. Sultan Qaboos Univ Med J. 2019 Nov;19(4):e324-e334. PMID: 31897316. Manguoglu E et al. Germline mutations of BRCA1 and BRCA2 genes in Turkish breast, ovarian, and prostate cancer patients. Cancer Genet Cytogenet. 2010 Dec;203(2):230-7. PMID: 21156238. Parsons MT et al. Large scale multifactorial likelihood quantitative analysis of BRCA1 and BRCA2 variants: An ENIGMA resource to support clinical variant classification. Hum Mutat. 2019 Sep;40(9):1557-1578. PMID: 31131967. Wong-Brown MW et al. Prevalence of BRCA1 and BRCA2 germline mutations in patients with triple-negative breast cancer. Breast Cancer Res Treat. 2015 Feb;150(1):71-80. PMID: 25682074.

Sema4
Classification: Likely benign for Hereditary cancer-predisposing syndrome. Last evaluated: 2021-07-04. Review status: criteria provided, single submitter. Criteria: Sema4 Curation Guidelines. Collection method: curation. Allele origin: germline.

CHEO Genetics Diagnostic Laboratory, Children's Hospital of Eastern Ontario
Classification: Uncertain significance for Breast and/or ovarian cancer. Last evaluated: 2020-06-26. Review status: criteria provided, single submitter. Criteria: ACMG Guidelines, 2015. Collection method: clinical testing. Allele origin: germline.